The following is an entry in ClinVar:

ClinVar aggregate classification (germline): Uncertain significance. Review status: criteria provided, multiple submitters, no conflicts (2 of 4 stars). 2 submissions from 2 submitters: Uncertain significance (2). Last evaluated 2025-10-02.

Conditions:
Inborn genetic diseases. Identifiers: MedGen C0950123, MeSH D030342.
Epidermolysis bullosa simplex 5C, with pyloric atresia (EBS5C). Also called: PLEC1-Related Epidermolysis Bullosa with Pyloric Atresia; PLEC-Related Epidermolysis Bullosa with Pyloric Atresia; Epidermolysis bullosa simplex with pyloric atresia. Identifiers: Orphanet 158684, MedGen C2677349, MONDO:0012807, OMIM 612138.
Epidermolysis bullosa simplex with nail dystrophy (EBS5D). Identifiers: MedGen C4225309, MONDO:0014661, OMIM 616487.
Autosomal recessive limb-girdle muscular dystrophy type 2Q (LGMDR17). Also called: MUSCULAR DYSTROPHY, LIMB-GIRDLE, AUTOSOMAL RECESSIVE 17. Identifiers: Orphanet 254361, MedGen C3150989, MONDO:0013390, OMIM 613723.
Epidermolysis bullosa simplex 5B, with muscular dystrophy (EBS5B). Also called: Epidermolysis bullosa simplex with muscular dystrophy; EPIDERMOLYSIS BULLOSA SIMPLEX AND LIMB-GIRDLE MUSCULAR DYSTROPHY. Identifiers: Orphanet 257, MedGen C2931072, MONDO:0009181, OMIM 226670.
Epidermolysis bullosa simplex, Ogna type (EBS5A). Also called: Pidermolysis bullosa simplex 5A, Ogna type; EPIDERMOLYSIS BULLOSA SIMPLEX 5A, OGNA TYPE. Identifiers: Orphanet 79401, MedGen C0432317, MONDO:0007555, OMIM 131950.

Allele frequency attached by ClinVar (database versions not stated): gnomAD 0.00001; gnomAD exomes 0.00001; TOPMed 0.00001.
gnomAD v4.1: 17 of 1,608,006 alleles (0.0011%); highest among the groups gnomAD compares: East Asian, 0.0022%; no homozygotes.

Submissions (2):

Labcorp Genetics (formerly Invitae), Labcorp
Classification: Uncertain significance for Autosomal recessive limb-girdle muscular dystrophy type 2Q; Epidermolysis bullosa simplex, Ogna type; Epidermolysis bullosa simplex with nail dystrophy; Epidermolysis bullosa simplex 5C, with pyloric atresia; Epidermolysis bullosa simplex 5B, with muscular dystrophy. Last evaluated: 2025-10-02. Review status: criteria provided, single submitter. Criteria: Invitae Variant Classification Sherloc (09022015). Collection method: clinical testing. Allele origin: germline.
Comment: This sequence change replaces arginine, which is basic and polar, with histidine, which is basic and polar, at codon 98 of the PLEC protein (p.Arg98His). The frequency data for this variant in the population databases is considered unreliable, as metrics indicate poor data quality at this position in the gnomAD database. This variant has not been reported in the literature in individuals affected with PLEC-related conditions. ClinVar contains an entry for this variant (Variation ID: 576411). Invitae Evidence Modeling of protein sequence and biophysical properties (such as structural, functional, and spatial information, amino acid conservation, physicochemical variation, residue mobility, and thermodynamic stability) indicates that this missense variant is expected to disrupt PLEC protein function with a positive predictive value of 80%. In summary, the available evidence is currently insufficient to determine the role of this variant in disease. Therefore, it has been classified as a Variant of Uncertain Significance.

Ambry Genetics
Classification: Uncertain significance for Inborn genetic diseases. Last evaluated: 2021-07-14. Review status: criteria provided, single submitter. Criteria: Ambry Variant Classification Scheme 2023. Collection method: clinical testing. Allele origin: germline.

NM_201384.3(PLEC):c.212G>A (p.Arg71His)

Gene: PLEC (plectin; minus strand). Cytogenetic location: 8q24.3.
Variant type: single nucleotide variant.
Coding change: c.212G>A on transcript NM_201384.3 (MANE Select); coding-DNA position 212, G replaced by A.
Protein change: p.Arg71His; replaces arginine 71 with histidine.
Molecular consequence: missense variant.
Genome position (GRCh38, 1-based): chr8:143,938,203, C>T on the plus strand (G>A on the coding strand, the complement: PLEC is on the minus strand). VCF-style: chr8-143938203-C-T. GRCh37 (hg19) VCF-style: chr8-145012371-C-T.
Other names: c.293G>A, p.Arg98His (NM_000445.5); c.170G>A, p.Arg57His (NM_201378.4); c.146G>A, p.Arg49His (NM_201379.3); c.623G>A, p.Arg208His (NM_201380.4); c.116G>A, p.Arg39His (NM_201381.3); c.212G>A, p.Arg71His (NM_201382.4); c.224G>A, p.Arg75His (NM_201383.3); c.293G>A (NM_000445.3); short protein forms R39H, R57H, R98H, R75H, R49H, R208H, R71H.
Identifiers: ClinVar variation 576411 (VCV000576411.9), dbSNP rs1478796034, ClinGen allele CA372592305.